The following is an entry in ClinVar:

NM_006231.4(POLE):c.6726C>T (p.Phe2242=)

Gene: POLE (DNA polymerase epsilon, catalytic subunit; minus strand). Cytogenetic location: 12q24.33.
Variant type: single nucleotide variant.
Coding change: c.6726C>T on transcript NM_006231.4 (MANE Select); coding-DNA position 6726, C replaced by T.
Protein change: p.Phe2242=; no amino-acid change (phenylalanine 2242 retained).
Molecular consequence: synonymous variant.
Genome position (GRCh38, 1-based): chr12:132,624,926, G>A on the plus strand (C>T on the coding strand, the complement: POLE is on the minus strand). VCF-style: chr12-132624926-G-A. GRCh37 (hg19) VCF-style: chr12-133201512-G-A.
Identifiers: ClinVar variation 473810 (VCV000473810.16), dbSNP rs771312122, ClinGen allele CA6892006.

ClinVar aggregate classification (germline): Likely benign. Review status: criteria provided, multiple submitters, no conflicts (2 of 4 stars). 4 submissions from 4 submitters: Likely benign (4). Last evaluated 2025-09-02.

Conditions:
Hereditary cancer-predisposing syndrome. Also called: Hereditary neoplastic syndrome; Neoplastic Syndromes, Hereditary; Hereditary Cancer Syndrome; Tumor predisposition. Identifiers: Orphanet 140162, MedGen C0027672, MeSH D009386, MONDO:0015356.

Allele frequency attached by ClinVar (database versions not stated): gnomAD 0.00001; ExAC 0.00002; gnomAD exomes 0.00002; TOPMed 0.00002.
gnomAD v4.1: 25 of 1,613,934 alleles (0.0015%); highest among the groups gnomAD compares: Middle Eastern, 0.016%; no homozygotes.

Submissions (4):

Labcorp Genetics (formerly Invitae), Labcorp
Classification: Likely benign. Last evaluated: 2025-09-02. Review status: criteria provided, single submitter. Criteria: Invitae Variant Classification Sherloc (09022015). Collection method: clinical testing. Allele origin: germline.

Blueprint Genetics
Classification: Likely benign. Last evaluated: 2022-11-18. Review status: criteria provided, single submitter. Criteria: ACMG Guidelines, 2015. Collection method: clinical testing. Allele origin: germline.

GeneDx
Classification: Likely benign. Last evaluated: 2017-10-25. Review status: criteria provided, single submitter. Criteria: GeneDx Variant Classification (06012015). Collection method: clinical testing. Allele origin: germline. Affected: yes.
Comment: This variant is considered likely benign or benign based on one or more of the following criteria: it is a conservative change, it occurs at a poorly conserved position in the protein, it is predicted to be benign by multiple in silico algorithms, and/or has population frequency not consistent with disease.

Ambry Genetics
Classification: Likely benign for Hereditary cancer-predisposing syndrome. Last evaluated: 2016-01-20. Review status: criteria provided, single submitter. Criteria: Ambry Variant Classification Scheme 2023. Collection method: clinical testing. Allele origin: germline.